The following is an entry in ClinVar:

ClinVar aggregate classification (germline): Pathogenic (1 of 4 stars; one submission).

Conditions:
Breast-ovarian cancer, familial, susceptibility to, 2 (BROVCA2). Also called: BRCA2 Hereditary Breast and Ovarian Cancer. Identifiers: Orphanet 145, MedGen C2675520, MONDO:0012933, OMIM 612555. Disease mechanism: loss of function.

Submission:

Myriad Genetics, Inc.
Classification: Pathogenic for Breast-ovarian cancer, familial, susceptibility to, 2. Last evaluated: 2025-09-16. Review status: criteria provided, single submitter. Criteria: Myriad Autosomal Dominant, Autosomal Recessive and X-Linked Classification Criteria (2023). Collection method: clinical testing. Allele origin: unknown.
Comment: This variant is considered pathogenic. This variant creates a frameshift predicted to result in premature protein truncation.

NM_000059.4(BRCA2):c.9377del (p.Gln3126fs)

Gene: BRCA2 (BRCA2 DNA repair associated; plus strand). Cytogenetic location: 13q13.1.
Variant type: Deletion.
Coding change: c.9377del on transcript NM_000059.4 (MANE Select); coding-DNA position 9377, one base deleted (A; older notation c.9377delA).
Protein change: p.Gln3126fs; shifts the reading frame from glutamine 3126.
Molecular consequence: frameshift variant. On other transcripts: non-coding transcript variant (1).
Genome position (GRCh38, 1-based): chr13:32,394,809, A deleted. VCF-style (leftmost placement, unchanged base first): chr13-32394808-CA-C. GRCh37 (hg19) VCF-style: chr13-32968945-CA-C.
Other names: c.9281del, p.Gln3094fs (NM_001406719.1); c.9326del, p.Gln3109fs (NM_001406720.1); c.4445del, p.Gln1482fs (NM_001406721.1); c.2960del, p.Gln987fs (NM_001406722.1); c.9377del, p.Gln3126fs (NM_001432077.1); short protein forms Q1482fs, Q3094fs, Q3109fs, Q3126fs, Q987fs.
Identifiers: ClinVar variation 4294273 (VCV004294273.1).